The following is an entry in ClinVar:

NM_005732.4(RAD50):c.412C>T (p.Arg138Ter)

Gene: RAD50 (RAD50 double strand break repair protein; plus strand). Cytogenetic location: 5q31.1.
Variant type: single nucleotide variant.
Coding change: c.412C>T on transcript NM_005732.4 (MANE Select); coding-DNA position 412, C replaced by T.
Protein change: p.Arg138Ter; replaces arginine 138 with a stop codon.
Molecular consequence: nonsense.
Genome position (GRCh38, 1-based): chr5:132,579,363, C>T. VCF-style: chr5-132579363-C-T. GRCh37 (hg19) VCF-style: chr5-131915055-C-T.
Other names: short protein forms R138*.
Identifiers: ClinVar variation 187117 (VCV000187117.21), dbSNP rs786203485, ClinGen allele CA196778.

ClinVar aggregate classification (germline): Pathogenic/Likely pathogenic. Review status: criteria provided, multiple submitters, no conflicts (2 of 4 stars). 6 submissions from 6 submitters: Pathogenic (3); Likely pathogenic (3). Last evaluated 2025-11-10.
ClinVar aggregate classification (oncogenicity): Likely oncogenic (1 of 4 stars; one submission).

Conditions:
RAD50-related disorder. Also called: RAD50-related condition.
Hereditary cancer-predisposing syndrome. Also called: Tumor predisposition; Neoplastic Syndromes, Hereditary; Hereditary neoplastic syndrome; Hereditary Cancer Syndrome. Identifiers: Orphanet 140162, MedGen C0027672, MeSH D009386, MONDO:0015356.
Nijmegen breakage syndrome-like disorder (NBSLD). Also called: MICROCEPHALY AND SPONTANEOUS CHROMOSOME INSTABILITY WITHOUT IMMUNODEFICIENCY; NBS-LIKE DISORDER; RAD50 DEFICIENCY. Identifiers: Orphanet 240760, MedGen C2751318, MONDO:0013118, OMIM 613078.
Neoplasm. Also called: Neoplasms; Neoplasm (disease); tumor. Identifiers: MedGen C0027651, MeSH D009369, MONDO:0005070, HP:0002664.

Allele frequency attached by ClinVar (database versions not stated): TOPMed 0.00002; gnomAD 0.00003.

Submissions (7):

Labcorp Genetics (formerly Invitae), Labcorp
Classification: Pathogenic for Hereditary cancer-predisposing syndrome. Last evaluated: 2025-11-10. Review status: criteria provided, single submitter. Criteria: Invitae Variant Classification Sherloc (09022015). Collection method: clinical testing. Allele origin: germline.
Comment: This sequence change creates a premature translational stop signal (p.Arg138*) in the RAD50 gene. It is expected to result in an absent or disrupted protein product. Loss-of-function variants in RAD50 are known to be pathogenic (PMID: 19409520). This variant is present in population databases (rs786203485, gnomAD 0.002%). This premature translational stop signal has been observed in individual(s) with breast cancer (PMID: 24894818, 25151137). ClinVar contains an entry for this variant (Variation ID: 187117). For these reasons, this variant has been classified as Pathogenic.

Center for Genomic Medicine, Rigshospitalet, Copenhagen University Hospital
Classification: Likely oncogenic for Neoplasm. Last evaluated: 2025-03-04. Review status: criteria provided, single submitter. Criteria: ClinGen/CGC/VICC Guidelines for Oncogenicity, 2022. Collection method: clinical testing. Allele origin: somatic. Affected: yes.

Genomic Medicine Center of Excellence, King Faisal Specialist Hospital and Research Centre
Classification: Pathogenic for Nijmegen breakage syndrome-like disorder. Last evaluated: 2024-12-19. Review status: criteria provided, single submitter. Criteria: ACMG Guidelines, 2015. Collection method: clinical testing. Allele origin: germline.

Blueprint Genetics
Classification: Likely pathogenic for RAD50-related disorders. Last evaluated: 2024-11-22. Review status: criteria provided, single submitter. Criteria: ACMG Guidelines, 2015. Collection method: clinical testing. Allele origin: germline. Affected: yes. Observed: 1 variant allele.

Baylor Genetics
Classification: Likely pathogenic for Nijmegen breakage syndrome-like disorder. Last evaluated: 2023-09-12. Review status: criteria provided, single submitter. Criteria: ACMG Guidelines, 2015. Collection method: clinical testing. Allele origin: unknown.

Ambry Genetics
Classification: Pathogenic for Hereditary cancer-predisposing syndrome. Last evaluated: 2022-08-24. Review status: criteria provided, single submitter. Criteria: Ambry Variant Classification Scheme 2023. Collection method: clinical testing. Allele origin: germline.
Comment: The p.R138* pathogenic mutation (also known as c.412C>T), located in coding exon 4 of the RAD50 gene, results from a C to T substitution at nucleotide position 412. This changes the amino acid from an arginine to a stop codon within coding exon 4. This mutation has been identified in a patient with breast cancer, and was called a novel pathogenic mutation by the study authors (Guan Y et al. Fam. Cancer, 2015 Mar;14:9-18). In addition to the clinical data presented in the literature, this alteration is expected to result in loss of function by premature protein truncation or nonsense-mediated mRNA decay. As such, this alteration is interpreted as a disease-causing mutation.

Juno Genomics, Hangzhou Juno Genomics, Inc
Classification: Likely pathogenic for Nijmegen breakage syndrome-like disorder. Review status: criteria provided, single submitter. Criteria: ACMG Guidelines, 2015. Collection method: clinical testing. Allele origin: germline. Affected: yes.
Comment: Absent from controls (or at extremely low frequency if recessive) in Genome Aggregation Database, Exome Sequencing Project, 1000 Genomes Project, or Exome Aggregation Consortium.;Null variant in a gene where loss of function (LOF) is a known mechanism of disease.

Literature cited by the submitters: PubMed 19409520 (cited by Labcorp Genetics (formerly Invitae), Labcorp); PubMed 24894818 (cited by Labcorp Genetics (formerly Invitae), Labcorp and Center for Genomic Medicine, Rigshospitalet, Copenhagen University Hospital); PubMed 25151137 (cited by 3 submitters); PubMed 34572942 (cited by Center for Genomic Medicine, Rigshospitalet, Copenhagen University Hospital).